The following is an entry in ClinVar:

ClinVar aggregate classification (germline): Benign/Likely benign. Review status: criteria provided, multiple submitters, no conflicts (2 of 4 stars). 6 submissions from 6 submitters: Benign (2); Likely benign (4). Last evaluated 2025-11-24.

Conditions:
Hereditary cancer-predisposing syndrome. Also called: Neoplastic Syndromes, Hereditary; Hereditary Cancer Syndrome; Hereditary neoplastic syndrome; Tumor predisposition. Identifiers: Orphanet 140162, MedGen C0027672, MeSH D009386, MONDO:0015356.
Breast-ovarian cancer, familial, susceptibility to, 4. Identifiers: Orphanet 145, MedGen C3280345, MONDO:0013669, OMIM 614291.

Allele frequency attached by ClinVar (database versions not stated): TOPMed 0.00001; gnomAD 0.00002.
gnomAD v4.1: 5 of 1,614,130 alleles (0.00031%); highest among the groups gnomAD compares: African/African-American, 0.0053%; no homozygotes.

Submissions (6):

Labcorp Genetics (formerly Invitae), Labcorp
Classification: Likely benign for Breast-ovarian cancer, familial, susceptibility to, 4. Last evaluated: 2025-11-24. Review status: criteria provided, single submitter. Criteria: Invitae Variant Classification Sherloc (09022015). Collection method: clinical testing. Allele origin: germline.

Myriad Genetics, Inc.
Classification: Benign for Breast-ovarian cancer, familial, susceptibility to, 4. Last evaluated: 2025-02-24. Review status: criteria provided, single submitter. Criteria: Myriad Autosomal Dominant, Autosomal Recessive and X-Linked Classification Criteria (2023). Collection method: clinical testing. Allele origin: unknown.
Comment: This variant is considered benign. This variant is a silent/synonymous amino acid change and it is not expected to impact splicing.

Women's Health and Genetics/Laboratory Corporation of America, LabCorp
Classification: Likely benign. Last evaluated: 2019-08-29. Review status: criteria provided, single submitter. Criteria: LabCorp Variant Classification Summary - May 2015. Collection method: clinical testing. Allele origin: germline.

Ambry Genetics
Classification: Likely benign for Hereditary cancer-predisposing syndrome. Last evaluated: 2019-03-28. Review status: criteria provided, single submitter. Criteria: Ambry Variant Classification Scheme 2023. Collection method: clinical testing. Allele origin: germline.

Color Diagnostics, LLC DBA Color Health
Classification: Likely benign for Hereditary cancer-predisposing syndrome. Last evaluated: 2018-03-07. Review status: criteria provided, single submitter. Criteria: ACMG Guidelines, 2015. Collection method: clinical testing. Allele origin: germline.

GeneDx
Classification: Benign. Last evaluated: 2015-09-15. Review status: criteria provided, single submitter. Criteria: GeneDx Variant Classification Process June 2021. Collection method: clinical testing. Allele origin: germline. Affected: yes.

NM_002878.4(RAD51D):c.792C>G (p.Leu264=)

Genes: RAD51D (RAD51 paralog D; minus strand), RAD51L3-RFFL (RAD51L3-RFFL readthrough; minus strand). Cytogenetic location: 17q12.
Variant type: single nucleotide variant.
Coding change: c.792C>G on transcript NM_002878.4 (MANE Select); coding-DNA position 792, C replaced by G.
Protein change: p.Leu264=; no amino-acid change (leucine 264 retained).
Molecular consequence: synonymous variant. On other transcripts: non-coding transcript variant (3).
Genome position (GRCh38, 1-based): chr17:35,101,312, G>C on the plus strand (C>G on the coding strand, the complement: RAD51D is on the minus strand). VCF-style: chr17-35101312-G-C. GRCh37 (hg19) VCF-style: chr17-33428331-G-C.
Other names: c.852C>G, p.Leu284= (NM_001142571.2); c.456C>G, p.Leu152= (NM_133629.3).
Identifiers: ClinVar variation 539864 (VCV000539864.21), dbSNP rs536544621, ClinGen allele CA8499341.
Genomic context (GRCh38, chr17:35,101,312, plus strand): 5'-TGCTCCCTCGATGGTGTCCAGGAGAATCCGAGTGCTGGGCACAAAGCTCCAGGAGCGTCC[G>C]AGGGCAGGTTTGAGCCTCCCGCTGTCCCTGTCTCGAGTTATGTGGTTGGTCACCTGCAGC-3'
Protein context (NP_002869.3, residues 254-274): DRDSGRLKPA[Leu264=]GRSWSFVPST